The following is an entry in ClinVar:

NM_001242896.3(DEPDC5):c.279+1G>A

Gene: DEPDC5 (DEP domain containing 5, GATOR1 subcomplex subunit; plus strand). Cytogenetic location: 22q12.2.
Variant type: single nucleotide variant.
Coding change: c.279+1G>A on transcript NM_001242896.3 (MANE Select); the canonical splice donor site of the intron after coding-DNA position 279, G replaced by A.
Molecular consequence: splice donor variant.
Genome position (GRCh38, 1-based): chr22:31,765,061, G>A. VCF-style: chr22-31765061-G-A. GRCh37 (hg19) VCF-style: chr22-32161047-G-A.
Other names: c.279+1G>A (NM_001364318.2, NM_001136029.4, NM_014662.6 and 9 more transcripts).
Identifiers: ClinVar variation 264715 (VCV000264715.6), dbSNP rs886039246, ClinGen allele CA10588023.

ClinVar aggregate classification (germline): Pathogenic. Review status: criteria provided, single submitter (1 of 4 stars). 2 submissions from 2 submitters: Pathogenic (1). 1 of the submissions does not count toward it. Last evaluated 2023-01-31.

Conditions:
Familial focal epilepsy with variable foci (FPEVF). Identifiers: Orphanet 98820, MedGen C1858477, MONDO:0020310.
Epilepsy, familial focal, with variable foci 1 (FFEVF1). Also called: DEPDC5-Related Epilepsy. Identifiers: MedGen C4551983, MONDO:0024556, OMIM 604364.

Submissions (3):

Labcorp Genetics (formerly Invitae), Labcorp
Classification: Pathogenic for Familial focal epilepsy with variable foci. Last evaluated: 2023-01-31. Review status: criteria provided, single submitter. Criteria: Invitae Variant Classification Sherloc (09022015). Collection method: clinical testing. Allele origin: germline.
Comment: Algorithms developed to predict the effect of sequence changes on RNA splicing suggest that this variant may disrupt the consensus splice site. ClinVar contains an entry for this variant (Variation ID: 264715). Disruption of this splice site has been observed in individuals with DEPDC5-related conditions (PMID: 23542697, 30093711). For these reasons, this variant has been classified as Pathogenic. This variant is not present in population databases (gnomAD no frequency). This sequence change affects a donor splice site in intron 5 of the DEPDC5 gene. It is expected to disrupt RNA splicing. Variants that disrupt the donor or acceptor splice site typically lead to a loss of protein function (PMID: 16199547), and loss-of-function variants in DEPDC5 are known to be pathogenic (PMID: 23542697, 23542701).

Dr. Peter K. Rogan Lab, Western University
No classification provided (evidence only). Condition: Squamous cell carcinoma of the head and neck. Review status: no classification provided. Collection method: in vitro. Allele origin: not applicable. Functional consequence: skipped exon. Not counted in ClinVar's aggregate classification.

GeneReviews
No classification provided. Condition: Epilepsy, familial focal, with variable foci 1. Review status: no classification provided. Collection method: literature only. Allele origin: germline. Affected: yes. Not counted in ClinVar's aggregate classification.

Literature cited by the submitters: PubMed 23542697 (cited by Labcorp Genetics (formerly Invitae), Labcorp and GeneReviews); PubMed 30093711 (cited by Labcorp Genetics (formerly Invitae), Labcorp); PubMed 16199547 (cited by Labcorp Genetics (formerly Invitae), Labcorp); PubMed 23542701 (cited by Labcorp Genetics (formerly Invitae), Labcorp); PubMed 24585383 (cited by GeneReviews); NCBI Bookshelf NBK385626 (cited by GeneReviews).